The following is an entry in ClinVar:

NM_031407.7(HUWE1):c.5836A>G (p.Ile1946Val)

Gene: HUWE1 (HECT, UBA and WWE domain containing E3 ubiquitin protein ligase 1; minus strand). Cytogenetic location: Xp11.22.
Variant type: single nucleotide variant.
Coding change: c.5836A>G on transcript NM_031407.7 (MANE Select); coding-DNA position 5836, A replaced by G.
Protein change: p.Ile1946Val; replaces isoleucine 1946 with valine.
Molecular consequence: missense variant.
Genome position (GRCh38, 1-based): chrX:53,576,948, T>C on the plus strand (A>G on the coding strand, the complement: HUWE1 is on the minus strand). VCF-style: chrX-53576948-T-C. GRCh37 (hg19) VCF-style: chrX-53603908-T-C.
Other names: short protein forms I1946V.
Identifiers: ClinVar variation 2759803 (VCV002759803.3), dbSNP rs2524886892, ClinGen allele CA413172029.

ClinVar aggregate classification (germline): Uncertain significance (1 of 4 stars; one submission).

Submission:

Labcorp Genetics (formerly Invitae), Labcorp
Classification: Uncertain significance. Last evaluated: 2024-02-23. Review status: criteria provided, single submitter. Criteria: Invitae Variant Classification Sherloc (09022015). Collection method: clinical testing. Allele origin: germline.
Comment: This sequence change replaces isoleucine, which is neutral and non-polar, with valine, which is neutral and non-polar, at codon 1946 of the HUWE1 protein (p.Ile1946Val). This variant is not present in population databases (gnomAD no frequency). This variant has not been reported in the literature in individuals affected with HUWE1-related conditions. Advanced modeling of protein sequence and biophysical properties (such as structural, functional, and spatial information, amino acid conservation, physicochemical variation, residue mobility, and thermodynamic stability) has been performed at Invitae for this missense variant, however the output from this modeling did not meet the statistical confidence thresholds required to predict the impact of this variant on HUWE1 protein function. In summary, the available evidence is currently insufficient to determine the role of this variant in disease. Therefore, it has been classified as a Variant of Uncertain Significance.